The following is an entry in ClinVar:

ClinVar aggregate classification (germline): Uncertain significance (1 of 4 stars; one submission).

Submission:

Labcorp Genetics (formerly Invitae), Labcorp
Classification: Uncertain significance. Last evaluated: 2022-07-03. Review status: criteria provided, single submitter. Criteria: Invitae Variant Classification Sherloc (09022015). Collection method: clinical testing. Allele origin: germline.
Comment: Algorithms developed to predict the effect of missense changes on protein structure and function are either unavailable or do not agree on the potential impact of this missense change (SIFT: "Deleterious"; PolyPhen-2: "Probably Damaging"; Align-GVGD: "Class C0"). In summary, the available evidence is currently insufficient to determine the role of this variant in disease. Therefore, it has been classified as a Variant of Uncertain Significance. This variant has not been reported in the literature in individuals affected with OBSL1-related conditions. This variant is not present in population databases (gnomAD no frequency). This sequence change replaces leucine, which is neutral and non-polar, with proline, which is neutral and non-polar, at codon 1450 of the OBSL1 protein (p.Leu1450Pro).

NM_015311.3(OBSL1):c.4349T>C (p.Leu1450Pro)

Gene: OBSL1 (obscurin like cytoskeletal adaptor 1; minus strand). Cytogenetic location: 2q35.
Variant type: single nucleotide variant.
Coding change: c.4349T>C on transcript NM_015311.3 (MANE Select); coding-DNA position 4349, T replaced by C.
Protein change: p.Leu1450Pro; replaces leucine 1450 with proline.
Molecular consequence: missense variant.
Genome position (GRCh38, 1-based): chr2:219,556,280, A>G on the plus strand (T>C on the coding strand, the complement: OBSL1 is on the minus strand). VCF-style: chr2-219556280-A-G. GRCh37 (hg19) VCF-style: chr2-220421002-A-G.
Other names: c.4349T>C, p.Leu1450Pro (NM_001173431.2); short protein forms L1450P.
Identifiers: ClinVar variation 1954203 (VCV001954203.5), dbSNP rs1695996049, ClinGen allele CA350727771.
Genomic context (GRCh38, chr2:219,556,280, plus strand): 5'-ACTTCGAGACACACATCCTGGCCTTCCTCTGCCCGCACATCCTGCAACCGCCGTAGGAAC[A>G]GCAGCTCTGTCTCTGGTGGGGAAGAAGGAGGCCATGGAGTCTGGTGGGGTTGGAGGCTGG-3'
Protein context (NP_056126.1, residues 1440-1460): ARLHVRETEL[Leu1450Pro]FLRRLQDVRA